The following is an entry in ClinVar:

NM_001283009.2(RTEL1):c.2992+13C>A

Genes: RTEL1 (regulator of telomere elongation helicase 1; plus strand), RTEL1-TNFRSF6B (RTEL1-TNFRSF6B readthrough (NMD candidate); plus strand). Cytogenetic location: 20q13.33.
Variant type: single nucleotide variant.
Coding change: c.2992+13C>A on transcript NM_001283009.2 (MANE Select); 13 bases into the intron after coding-DNA position 2992, C replaced by A.
Molecular consequence: intron variant.
Genome position (GRCh38, 1-based): chr20:63,693,296, C>A. VCF-style: chr20-63693296-C-A. GRCh37 (hg19) VCF-style: chr20-62324649-C-A.
Other names: c.2323+13C>A (NM_001283010.1); c.3064+13C>A (NM_032957.5); c.2992+13C>A (NM_016434.4).
Identifiers: ClinVar variation 1932667 (VCV001932667.5), dbSNP rs200323578, ClinGen allele CA2580098514.

ClinVar aggregate classification (germline): Uncertain significance (1 of 4 stars; one submission).

Conditions:
Dyskeratosis congenita, autosomal recessive 5 (DKCB5). Identifiers: MedGen C3554656, MONDO:0014076, OMIM 615190.
Pulmonary fibrosis and/or bone marrow failure, Telomere-related, 3. Also called: PULMONARY FIBROSIS AND/OR BONE MARROW FAILURE SYNDROME, TELOMERE-RELATED, 3. Identifiers: Orphanet 2032, MedGen C4225346, MONDO:0014613, OMIM 616373.

Submission:

Labcorp Genetics (formerly Invitae), Labcorp
Classification: Uncertain significance for Dyskeratosis congenita, autosomal recessive 5; Pulmonary fibrosis and/or bone marrow failure, Telomere-related, 3. Last evaluated: 2022-03-13. Review status: criteria provided, single submitter. Criteria: Invitae Variant Classification Sherloc (09022015). Collection method: clinical testing. Allele origin: germline.
Comment: In summary, the available evidence is currently insufficient to determine the role of this variant in disease. Therefore, it has been classified as a Variant of Uncertain Significance. Algorithms developed to predict the effect of sequence changes on RNA splicing suggest that this variant may create or strengthen a splice site. This variant has not been reported in the literature in individuals affected with RTEL1-related conditions. This variant is not present in population databases (gnomAD no frequency). This sequence change falls in intron 30 of the RTEL1 gene. It does not directly change the encoded amino acid sequence of the RTEL1 protein.